The following is an entry in ClinVar:

ClinVar aggregate classification (germline): Uncertain significance (1 of 4 stars; one submission).

Submission:

Labcorp Genetics (formerly Invitae), Labcorp
Classification: Uncertain significance. Last evaluated: 2024-11-15. Review status: criteria provided, single submitter. Criteria: Invitae Variant Classification Sherloc (09022015). Collection method: clinical testing. Allele origin: germline.
Comment: This sequence change replaces histidine, which is basic and polar, with leucine, which is neutral and non-polar, at codon 1181 of the FN1 protein (p.His1181Leu). This variant is not present in population databases (gnomAD no frequency). This variant has not been reported in the literature in individuals affected with FN1-related conditions. An algorithm developed to predict the effect of missense changes on protein structure and function (PolyPhen-2) suggests that this variant is likely to be tolerated. In summary, the available evidence is currently insufficient to determine the role of this variant in disease. Therefore, it has been classified as a Variant of Uncertain Significance.

NM_212482.4(FN1):c.3542A>T (p.His1181Leu)

Gene: FN1 (fibronectin 1; minus strand). Cytogenetic location: 2q35.
Variant type: single nucleotide variant.
Coding change: c.3542A>T on transcript NM_212482.4 (MANE Select); coding-DNA position 3542, A replaced by T.
Protein change: p.His1181Leu; replaces histidine 1181 with leucine.
Molecular consequence: missense variant.
Genome position (GRCh38, 1-based): chr2:215,397,199, T>A on the plus strand (A>T on the coding strand, the complement: FN1 is on the minus strand). VCF-style: chr2-215397199-T-A. GRCh37 (hg19) VCF-style: chr2-216261922-T-A.
Other names: c.3542A>T, p.His1181Leu (NM_001365521.2, NM_001365522.2, NM_001365523.2 and 13 more transcripts); short protein forms H1181L.
Identifiers: ClinVar variation 3685469 (VCV003685469.2).
Genomic context (GRCh38, chr2:215,397,199, plus strand): 5'-GGGGTGGTGCTCCTCTCCCAGGAGACTGTGAGCACTCCAGTGTCAGGGTTTGCCTCCAGA[T>A]GCAAGTTTGTTGGTGGAGACAATGCTATGCAGAAAGAACATTTTAAAAGTCAAAGCTGAC-3'
Protein context (NP_997647.2, residues 1171-1191): VTPLSPPTNL[His1181Leu]LEANPDTGVL